The following is an entry in ClinVar:

NM_000466.3(PEX1):c.2941G>A (p.Ala981Thr)

Genes: PEX1 (peroxisomal biogenesis factor 1; minus strand), GATAD1 (GATA zinc finger domain containing 1; plus strand). Cytogenetic location: 7q21.2.
Variant type: single nucleotide variant.
Coding change: c.2941G>A on transcript NM_000466.3 (MANE Select); coding-DNA position 2941, G replaced by A.
Protein change: p.Ala981Thr; replaces alanine 981 with threonine.
Molecular consequence: missense variant.
Genome position (GRCh38, 1-based): chr7:92,494,382, C>T on the plus strand (G>A on the coding strand, the complement: PEX1 is on the minus strand). VCF-style: chr7-92494382-C-T. GRCh37 (hg19) VCF-style: chr7-92123696-C-T.
Other names: c.2770G>A, p.Ala924Thr (NM_001282677.2); c.2317G>A, p.Ala773Thr (NM_001282678.2); short protein forms A924T, A773T, A981T.
Identifiers: ClinVar variation 724866 (VCV000724866.14), dbSNP rs566068815, ClinGen allele CA4340954.
Genomic context (GRCh38, chr7:92,494,382, plus strand): 5'-TATCTAGTCGACCAGGCCTAAGCAGGGCAGGGTCAATCAAGTCAGGGCGACTAGTAGCAG[C>T]CAATACATAAACACCTAGAGGAAAAAAGAACATTTTTTTACCAAAATCTGATGACATGAT-3'
Protein context (NP_000457.1, residues 971-991): VEGLQGVYVL[Ala981Thr]ATSRPDLIDP

ClinVar aggregate classification (germline): Likely benign. Review status: criteria provided, single submitter (1 of 4 stars). 3 submissions from 3 submitters: Likely benign (1). 2 of the submissions do not count toward it. Last evaluated 2026-01-26.

Conditions:
PEX1-related disorder. Also called: PEX1-related condition.
Zellweger spectrum disorders (ZS). Also called: Zellweger syndrome; Zellweger Spectrum Disorder (ZSD); Zellweger Spectrum Disorder; Zellweger Spectrum. Identifiers: Orphanet 912, MedGen C0043459, MONDO:0019609.

Allele frequency attached by ClinVar (database versions not stated): gnomAD below 0.00001 and 0.00011; TOPMed 0.00005; gnomAD exomes 0.00022 and 0.00049; ExAC 0.00049; 1000 Genomes Project 30x 0.00109; 1000 Genomes Project 0.00120.
gnomAD v4.1: 340 of 1,613,926 alleles (0.021%); highest among the groups gnomAD compares: South Asian, 0.36%; 3 homozygotes.

Submissions (3):

Labcorp Genetics (formerly Invitae), Labcorp
Classification: Likely benign for Zellweger spectrum disorders. Last evaluated: 2026-01-26. Review status: criteria provided, single submitter. Criteria: Invitae Variant Classification Sherloc (09022015). Collection method: clinical testing. Allele origin: germline.

PreventionGenetics, part of Exact Sciences
Classification: Likely benign for PEX1-related condition. Last evaluated: 2022-02-08. Review status: no assertion criteria provided. Collection method: clinical testing. Allele origin: germline. Not counted in ClinVar's aggregate classification.
Comment: This variant is classified as likely benign based on ACMG/AMP sequence variant interpretation guidelines (Richards et al. 2015 PMID: 25741868, with internal and published modifications).

Natera, Inc.
Classification: Uncertain significance for Zellweger syndrome. Last evaluated: 2017-05-08. Review status: no assertion criteria provided. Collection method: clinical testing. Allele origin: germline. Not counted in ClinVar's aggregate classification.